The following is an entry in ClinVar:

ClinVar aggregate classification (germline): Uncertain significance (1 of 4 stars; one submission).

Allele frequency attached by ClinVar (database versions not stated): gnomAD exomes 0.00001; TOPMed 0.00001; gnomAD 0.00003 and 0.00004.
gnomAD v4.1: 17 of 1,582,246 alleles (0.0011%); highest among the groups gnomAD compares: Admixed American, 0.0075%; no homozygotes.

Submission:

GeneDx
Classification: Uncertain significance. Last evaluated: 2020-06-25. Review status: criteria provided, single submitter. Criteria: GeneDx Variant Classification Process June 2021. Collection method: clinical testing. Allele origin: germline. Affected: yes.
Comment: In silico analysis supports that this missense variant has a deleterious effect on protein structure/function; Has not been previously published as pathogenic or benign to our knowledge

NM_001256071.3(RNF213):c.440C>T (p.Pro147Leu)

Gene: RNF213 (ring finger protein 213; plus strand). Cytogenetic location: 17q25.3.
Variant type: single nucleotide variant.
Coding change: c.440C>T on transcript NM_001256071.3 (MANE Select); coding-DNA position 440, C replaced by T.
Protein change: p.Pro147Leu; replaces proline 147 with leucine.
Molecular consequence: missense variant.
Genome position (GRCh38, 1-based): chr17:80,287,993, C>T. VCF-style: chr17-80287993-C-T. GRCh37 (hg19) VCF-style: chr17-78261792-C-T.
Other names: c.440C>T, p.Pro147Leu (NM_020954.4); short protein forms P147L.
Identifiers: ClinVar variation 1320732 (VCV001320732.2), dbSNP rs749680373, ClinGen allele CA8819246.